The following is an entry in ClinVar:

NM_017934.7(PHIP):c.1168C>T (p.Arg390Cys)

Gene: PHIP (PHIP subunit of CUL4-Ring ligase complex; minus strand). Cytogenetic location: 6q14.1.
Variant type: single nucleotide variant.
Coding change: c.1168C>T on transcript NM_017934.7 (MANE Select); coding-DNA position 1168, C replaced by T.
Protein change: p.Arg390Cys; replaces arginine 390 with cysteine.
Molecular consequence: missense variant.
Genome position (GRCh38, 1-based): chr6:79,016,611, G>A on the plus strand (C>T on the coding strand, the complement: PHIP is on the minus strand). VCF-style: chr6-79016611-G-A. GRCh37 (hg19) VCF-style: chr6-79726328-G-A.
Other names: short protein forms R390C.
Identifiers: ClinVar variation 1308130 (VCV001308130.7), dbSNP rs536256008, ClinGen allele CA3900212.
Genomic context (GRCh38, chr6:79,016,611, plus strand): 5'-GACGAGTAGCCATATCCAACAAAATGCTCTTCCACTCTCTTCGTTTAAATTGCCAAATAC[G>A]TGCTGTCCCATCACGACTGCCACTTACAAACCTGTATTAAAAGGAATCCGATCCCCCAAA-3'
Protein context (NP_060404.4, residues 380-400): FVSGSRDGTA[Arg390Cys]IWQFKRREWK

ClinVar aggregate classification (germline): Uncertain significance. Review status: criteria provided, multiple submitters, no conflicts (2 of 4 stars). 2 submissions from 2 submitters: Uncertain significance (2). Last evaluated 2026-08-24.

Allele frequency attached by ClinVar (database versions not stated): gnomAD 0.00001; 1000 Genomes Project 30x 0.00016; 1000 Genomes Project 0.00020; gnomAD exomes below 0.00001; ExAC 0.00001.
gnomAD v4.1: 3 of 1,610,698 alleles (0.00019%); highest among the groups gnomAD compares: East Asian, 0.0022%; no homozygotes.

Submissions (2):

GeneDx
Classification: Uncertain significance. Last evaluated: 2026-08-24. Review status: criteria provided, single submitter. Criteria: GeneDx Variant Classification Process June 2021. Collection method: clinical testing. Allele origin: germline.
Comment: In silico analysis supports that this missense variant has a deleterious effect on protein structure/function; Has not been previously published as pathogenic or benign to our knowledge; Not observed at significant frequency in large population cohorts (gnomAD)

Labcorp Genetics (formerly Invitae), Labcorp
Classification: Uncertain significance. Last evaluated: 2024-10-08. Review status: criteria provided, single submitter. Criteria: Invitae Variant Classification Sherloc (09022015). Collection method: clinical testing. Allele origin: germline.
Comment: This sequence change replaces arginine, which is basic and polar, with cysteine, which is neutral and slightly polar, at codon 390 of the PHIP protein (p.Arg390Cys). This variant is present in population databases (rs536256008, gnomAD 0.006%). This variant has not been reported in the literature in individuals affected with PHIP-related conditions. ClinVar contains an entry for this variant (Variation ID: 1308130). Invitae Evidence Modeling of protein sequence and biophysical properties (such as structural, functional, and spatial information, amino acid conservation, physicochemical variation, residue mobility, and thermodynamic stability) has been performed for this missense variant. However, the output from this modeling did not meet the statistical confidence thresholds required to predict the impact of this variant on PHIP protein function. In summary, the available evidence is currently insufficient to determine the role of this variant in disease. Therefore, it has been classified as a Variant of Uncertain Significance.